The following is an entry in ClinVar:

NM_000260.4(MYO7A):c.94G>A (p.Asp32Asn)

Gene: MYO7A (myosin VIIA; plus strand). Cytogenetic location: 11q13.5.
Variant type: single nucleotide variant.
Coding change: c.94G>A on transcript NM_000260.4 (MANE Select); coding-DNA position 94, G replaced by A.
Protein change: p.Asp32Asn; replaces aspartic acid 32 with asparagine.
Molecular consequence: missense variant.
Genome position (GRCh38, 1-based): chr11:77,142,784, G>A. VCF-style: chr11-77142784-G-A. GRCh37 (hg19) VCF-style: chr11-76853830-G-A.
Other names: c.94G>A, p.Asp32Asn (NM_001127180.2); c.61G>A, p.Asp21Asn (NM_001369365.1); short protein forms D21N, D32N.
Identifiers: ClinVar variation 2490959 (VCV002490959.3), dbSNP rs782363121, ClinGen allele CA6197024.

ClinVar aggregate classification (germline): Uncertain significance. Review status: criteria provided, multiple submitters, no conflicts (2 of 4 stars). 2 submissions from 2 submitters: Uncertain significance (2). Last evaluated 2026-03-29.

Conditions:
Inborn genetic diseases. Identifiers: MedGen C0950123, MeSH D030342.
MYO7A-related disorder. Also called: MYO7A-related disorders.

Allele frequency attached by ClinVar (database versions not stated): TOPMed 0.00001; gnomAD 0.00002.

Submissions (2):

PreventionGenetics, part of Exact Sciences
Classification: Uncertain significance for MYO7A-related condition. Last evaluated: 2026-03-29. Review status: criteria provided, single submitter. Criteria: ACMG Guidelines, 2015. Collection method: clinical testing. Allele origin: germline.
Comment: The MYO7A c.94G>A variant is predicted to result in the amino acid substitution p.Asp32Asn. To our knowledge, this variant has not been reported in the literature. This variant is reported in 0.0034% of alleles in individuals of South Asian descent in gnomAD. At this time, the clinical significance of this variant is uncertain due to the absence of conclusive functional and genetic evidence.

Ambry Genetics
Classification: Uncertain significance for Inborn genetic diseases. Last evaluated: 2023-02-28. Review status: criteria provided, single submitter. Criteria: Ambry Variant Classification Scheme 2023. Collection method: clinical testing. Allele origin: germline.